The following is an entry in ClinVar:

NM_005245.4(FAT1):c.3300A>G (p.Glu1100=)

Gene: FAT1 (FAT atypical cadherin 1; minus strand). Cytogenetic location: 4q35.2.
Variant type: single nucleotide variant.
Coding change: c.3300A>G on transcript NM_005245.4 (MANE Select); coding-DNA position 3300, A replaced by G.
Protein change: p.Glu1100=; no amino-acid change (glutamic acid 1100 retained).
Molecular consequence: synonymous variant.
Genome position (GRCh38, 1-based): chr4:186,663,579, T>C on the plus strand (A>G on the coding strand, the complement: FAT1 is on the minus strand). VCF-style: chr4-186663579-T-C. GRCh37 (hg19) VCF-style: chr4-187584733-T-C.
Identifiers: ClinVar variation 1049000 (VCV001049000.1), dbSNP rs1181746133, ClinGen allele CA442654788.

ClinVar aggregate classification (germline): Uncertain significance (0 of 4 stars; one submission).

Allele frequency attached by ClinVar (database versions not stated): TOPMed below 0.00001; gnomAD 0.00001; gnomAD exomes 0.00001.

Submission:

Department of Pathology and Laboratory Medicine, Sinai Health System
Classification: Uncertain significance. Review status: no assertion criteria provided. Collection method: clinical testing. Allele origin: unknown. Affected: yes. Study: The Canadian Open Genetics Repository (COGR).
Comment: The FAT1 p.Glu1100Glu variant was not identified in the literature nor was it identified in ClinVar, Cosmic, LOVD 3.0 or in the following control databases: the 1000 Genomes Project, the NHLBI GO Exome Sequencing Project, the Exome Aggregation Consortium (August 8th 2016), or the Genome Aggregation Database (Feb 27, 2017). The variant was identified in dbSNP (ID: rs1181746133). The p.Glu1100Glu variant is not expected to have clinical significance because it does not result in a change of amino acid and is not located in a known consensus splice site. However, 3 of 4 in silico or computational prediction software programs (SpliceSiteFinder, MaxEntScan, NNSPLICE) predict a greater than 10% difference in splicing and the creation of a new 5' splice site. However, this information is not predictive enough to assume pathogenicity. In summary, based on the above information the clinical significance of this variant cannot be determined with certainty at this time. This variant is classified as a variant of uncertain significance.